The following is an entry in ClinVar:

ClinVar aggregate classification (germline): Uncertain significance (1 of 4 stars; one submission).

Conditions:
Familial cancer of breast. Also called: Hereditary breast cancer; hereditary breast carcinoma; BREAST CANCER, FAMILIAL. Identifiers: Orphanet 227535, MedGen C0346153, MONDO:0016419, OMIM 114480. Disease mechanism: loss of function.

Submission:

Labcorp Genetics (formerly Invitae), Labcorp
Classification: Uncertain significance for Familial cancer of breast. Last evaluated: 2020-10-03. Review status: criteria provided, single submitter. Criteria: Invitae Variant Classification Sherloc (09022015). Collection method: clinical testing. Allele origin: germline.
Comment: Algorithms developed to predict the effect of missense changes on protein structure and function (SIFT, PolyPhen-2, Align-GVGD) all suggest that this variant is likely to be tolerated, but these predictions have not been confirmed by published functional studies and their clinical significance is uncertain. In summary, the available evidence is currently insufficient to determine the role of this variant in disease. Therefore, it has been classified as a Variant of Uncertain Significance. This variant has not been reported in the literature in individuals with PALB2-related conditions. This variant is not present in population databases (ExAC no frequency). This sequence change replaces aspartic acid with valine at codon 459 of the PALB2 protein (p.Asp459Val). The aspartic acid residue is moderately conserved and there is a large physicochemical difference between aspartic acid and valine.

NM_024675.4(PALB2):c.1376A>T (p.Asp459Val)

Gene: PALB2 (partner and localizer of BRCA2; minus strand). Cytogenetic location: 16p12.2.
Variant type: single nucleotide variant.
Coding change: c.1376A>T on transcript NM_024675.4 (MANE Select); coding-DNA position 1376, A replaced by T.
Protein change: p.Asp459Val; replaces aspartic acid 459 with valine.
Molecular consequence: missense variant.
Genome position (GRCh38, 1-based): chr16:23,635,170, T>A on the plus strand (A>T on the coding strand, the complement: PALB2 is on the minus strand). VCF-style: chr16-23635170-T-A. GRCh37 (hg19) VCF-style: chr16-23646491-T-A.
Other names: short protein forms D459V.
Identifiers: ClinVar variation 1046620 (VCV001046620.9), dbSNP rs1031787378, ClinGen allele CA395131413.